The following is an entry in ClinVar:

ClinVar aggregate classification (germline): Uncertain significance. Review status: criteria provided, multiple submitters, no conflicts (2 of 4 stars). 2 submissions from 2 submitters: Uncertain significance (2). Last evaluated 2025-03-04.

Conditions:
Hereditary cancer-predisposing syndrome. Also called: Neoplastic Syndromes, Hereditary; Tumor predisposition; Hereditary Cancer Syndrome; Hereditary neoplastic syndrome. Identifiers: Orphanet 140162, MedGen C0027672, MeSH D009386, MONDO:0015356.

Submissions (2):

Center for Genomic Medicine, Rigshospitalet, Copenhagen University Hospital
Classification: Uncertain significance. Last evaluated: 2025-03-04. Review status: criteria provided, single submitter. Criteria: ACMG Guidelines, 2015. Collection method: clinical testing. Allele origin: germline.

Color Diagnostics, LLC DBA Color Health
Classification: Uncertain significance for Hereditary cancer-predisposing syndrome. Last evaluated: 2019-07-25. Review status: criteria provided, single submitter. Criteria: ACMG Guidelines, 2015. Collection method: clinical testing. Allele origin: germline.
Comment: This variant creates a T>G nucleotide substitution at the -15 position of intron 11 of the CDH1 gene. To our knowledge, functional assays have not been performed for this variant nor has this variant been reported in individuals affected with hereditary cancer in the literature. This variant has not been identified in the general population by the Genome Aggregation Database (gnomAD). Available evidence is insufficient to determine the role of this variant in disease conclusively. Therefore, this variant is classified as a Variant of Uncertain Significance.

NM_004360.5(CDH1):c.1712-15T>G

Gene: CDH1 (cadherin 1; plus strand). Cytogenetic location: 16q22.1.
Variant type: single nucleotide variant.
Coding change: c.1712-15T>G on transcript NM_004360.5 (MANE Select); 15 bases into the intron before coding-DNA position 1712, T replaced by G.
Molecular consequence: intron variant.
Genome position (GRCh38, 1-based): chr16:68,821,986, T>G. VCF-style: chr16-68821986-T-G. GRCh37 (hg19) VCF-style: chr16-68855889-T-G.
Other names: c.164-15T>G (NM_001317185.2); c.-254-15T>G (NM_001317186.2); c.1529-15T>G (NM_001317184.2).
Identifiers: ClinVar variation 925681 (VCV000925681.8), dbSNP rs1961155157, ClinGen allele CA1139664764.